The following is an entry in ClinVar:

ClinVar aggregate classification (germline): Uncertain significance. Review status: criteria provided, multiple submitters, no conflicts (2 of 4 stars). 2 submissions from 2 submitters: Uncertain significance (2). Last evaluated 2024-11-08.

Conditions:
Inborn genetic diseases. Identifiers: MedGen C0950123, MeSH D030342.
Charcot-Marie-Tooth disease type 4. Also called: Charcot-Marie-Tooth disease, type IV; Charcot-Marie-Tooth, Type 4. Identifiers: Orphanet 64749, MedGen C4082197, MONDO:0018995.

Allele frequency attached by ClinVar (database versions not stated): gnomAD exomes below 0.00001.
gnomAD v4.1: 1 of 1,613,760 alleles (0.000062%); highest among the groups gnomAD compares: Non-Finnish European, 0.000085%; no homozygotes.

Submissions (2):

Ambry Genetics
Classification: Uncertain significance for Inborn genetic diseases. Last evaluated: 2024-11-08. Review status: criteria provided, single submitter. Criteria: Ambry Variant Classification Scheme 2023. Collection method: clinical testing. Allele origin: germline.

Labcorp Genetics (formerly Invitae), Labcorp
Classification: Uncertain significance for Charcot-Marie-Tooth disease type 4. Last evaluated: 2022-02-03. Review status: criteria provided, single submitter. Criteria: Invitae Variant Classification Sherloc (09022015). Collection method: clinical testing. Allele origin: germline.
Comment: This sequence change replaces serine, which is neutral and polar, with arginine, which is basic and polar, at codon 455 of the MTMR2 protein (p.Ser455Arg). This variant is not present in population databases (gnomAD no frequency). This variant has not been reported in the literature in individuals affected with MTMR2-related conditions. ClinVar contains an entry for this variant (Variation ID: 645699). Advanced modeling of protein sequence and biophysical properties (such as structural, functional, and spatial information, amino acid conservation, physicochemical variation, residue mobility, and thermodynamic stability) performed at Invitae indicates that this missense variant is expected to disrupt MTMR2 protein function. In summary, the available evidence is currently insufficient to determine the role of this variant in disease. Therefore, it has been classified as a Variant of Uncertain Significance.

NM_016156.6(MTMR2):c.1363A>C (p.Ser455Arg)

Gene: MTMR2 (myotubularin related protein 2; minus strand). Cytogenetic location: 11q21.
Variant type: single nucleotide variant.
Coding change: c.1363A>C on transcript NM_016156.6 (MANE Select); coding-DNA position 1363, A replaced by C.
Protein change: p.Ser455Arg; replaces serine 455 with arginine.
Molecular consequence: missense variant.
Genome position (GRCh38, 1-based): chr11:95,844,976, T>G on the plus strand (A>C on the coding strand, the complement: MTMR2 is on the minus strand). VCF-style: chr11-95844976-T-G. GRCh37 (hg19) VCF-style: chr11-95578140-T-G.
Other names: c.1147A>C, p.Ser383Arg (NM_001243571.2, NM_201278.3, NM_201281.3); short protein forms S455R, S383R.
Identifiers: ClinVar variation 645699 (VCV000645699.9), dbSNP rs1590978234, ClinGen allele CA382420310.